The following is an entry in ClinVar:

ClinVar aggregate classification (germline): Uncertain significance (1 of 4 stars; one submission).

Conditions:
Inborn genetic diseases. Identifiers: MedGen C0950123, MeSH D030342.

gnomAD v4.1: 6 of 1,614,074 alleles (0.00037%); highest among the groups gnomAD compares: African/African-American, 0.0053%; no homozygotes.

Submission:

Ambry Genetics
Classification: Uncertain significance for Inborn genetic diseases. Last evaluated: 2025-08-28. Review status: criteria provided, single submitter. Criteria: Ambry Variant Classification Scheme 2023. Collection method: clinical testing. Allele origin: germline.
Comment: The p.P91T variant (also known as c.271C>A), located in coding exon 2 of the BCKDHA gene, results from a C to A substitution at nucleotide position 271. The proline at codon 91 is replaced by threonine, an amino acid with highly similar properties. This amino acid position is conserved. In addition, the in silico prediction for this alteration is inconclusive. Based on the available evidence, the clinical significance of this variant remains unclear.

NM_000709.4(BCKDHA):c.271C>A (p.Pro91Thr)

Gene: BCKDHA (branched chain keto acid dehydrogenase E1 subunit alpha; plus strand). Cytogenetic location: 19q13.2.
Variant type: single nucleotide variant.
Coding change: c.271C>A on transcript NM_000709.4 (MANE Select); coding-DNA position 271, C replaced by A.
Protein change: p.Pro91Thr; replaces proline 91 with threonine.
Molecular consequence: missense variant.
Genome position (GRCh38, 1-based): chr19:41,410,799, C>A. VCF-style: chr19-41410799-C-A. GRCh37 (hg19) VCF-style: chr19-41916704-C-A.
Other names: c.271C>A, p.Pro91Thr (NM_001164783.2); short protein forms P91T.
Identifiers: ClinVar variation 4200830 (VCV004200830.1).
Genomic context (GRCh38, chr19:41,410,799, plus strand): 5'-AACGTCATCTCTGGAATCCCCATCTACCGCGTCATGGACCGGCAAGGCCAGATCATCAAC[C>A]CCAGCGAGGACCCCCACGTGAGAGGCGGCCTCCCCCACTTCCCGTGCCCCCCACGCCCAG-3'
Protein context (NP_000700.1, residues 81-101): VMDRQGQIIN[Pro91Thr]SEDPHLPKEK